The following is an entry in ClinVar:

NM_015213.4(DENND5A):c.2374C>A (p.Leu792Met)

Gene: DENND5A (DENN domain containing 5A; minus strand). Cytogenetic location: 11p15.4.
Variant type: single nucleotide variant.
Coding change: c.2374C>A on transcript NM_015213.4 (MANE Select); coding-DNA position 2374, C replaced by A.
Protein change: p.Leu792Met; replaces leucine 792 with methionine.
Molecular consequence: missense variant. On other transcripts: non-coding transcript variant (1).
Genome position (GRCh38, 1-based): chr11:9,160,775, G>T on the plus strand (C>A on the coding strand, the complement: DENND5A is on the minus strand). VCF-style: chr11-9160775-G-T. GRCh37 (hg19) VCF-style: chr11-9182322-G-T.
Other names: c.2374C>A, p.Leu792Met (NM_001243254.2, NM_001348748.1); c.2302C>A, p.Leu768Met (NM_001348749.2); c.2086C>A, p.Leu696Met (NM_001348750.2); short protein forms L768M, L792M, L696M.
Identifiers: ClinVar variation 2075886 (VCV002075886.1), dbSNP rs1282800252, ClinGen allele CA379608066.
Genomic context (GRCh38, chr11:9,160,775, plus strand): 5'-GTTTCACTTGTAGTCCATGACTCCAGATCCTTTCCAGGAGATCACAAAGGCTGGCAATCA[G>T]GGTGTTCTCTTCCACCCCTGTGATGTTCACCTCCCCATGCCCTAGCTCCACAGCTTCTCG-3'
Protein context (NP_056028.2, residues 782-802): VNITGVEENT[Leu792Met]IASLCDLLER

ClinVar aggregate classification (germline): Uncertain significance (1 of 4 stars; one submission).

Allele frequency attached by ClinVar (database versions not stated): TOPMed 0.00001.
gnomAD v4.1: 2 of 1,613,932 alleles (0.00012%); highest among the groups gnomAD compares: Non-Finnish European, 0.00017%; no homozygotes.

Submission:

Labcorp Genetics (formerly Invitae), Labcorp
Classification: Uncertain significance. Last evaluated: 2022-02-20. Review status: criteria provided, single submitter. Criteria: Invitae Variant Classification Sherloc (09022015). Collection method: clinical testing. Allele origin: germline.
Comment: This sequence change replaces leucine, which is neutral and non-polar, with methionine, which is neutral and non-polar, at codon 792 of the DENND5A protein (p.Leu792Met). This variant is present in population databases (no rsID available, gnomAD 0.0009%). This variant has not been reported in the literature in individuals affected with DENND5A-related conditions. Algorithms developed to predict the effect of missense changes on protein structure and function are either unavailable or do not agree on the potential impact of this missense change (SIFT: "Deleterious"; PolyPhen-2: "Probably Damaging"; Align-GVGD: "Class C0"). In summary, the available evidence is currently insufficient to determine the role of this variant in disease. Therefore, it has been classified as a Variant of Uncertain Significance.